The following is an entry in ClinVar:

ClinVar aggregate classification (germline): Uncertain significance (1 of 4 stars; one submission).

Allele frequency attached by ClinVar (database versions not stated): gnomAD exomes below 0.00001; ExAC 0.00001.
gnomAD v4.1: 2 of 1,613,034 alleles (0.00012%); highest among the groups gnomAD compares: Non-Finnish European, 0.00017%; no homozygotes.

Submission:

Labcorp Genetics (formerly Invitae), Labcorp
Classification: Uncertain significance. Last evaluated: 2024-10-30. Review status: criteria provided, single submitter. Criteria: Invitae Variant Classification Sherloc (09022015). Collection method: clinical testing. Allele origin: germline.
Comment: This sequence change replaces aspartic acid, which is acidic and polar, with glycine, which is neutral and non-polar, at codon 233 of the NECTIN1 protein (p.Asp233Gly). This variant is present in population databases (rs768666517, gnomAD 0.0009%). This variant has not been reported in the literature in individuals affected with NECTIN1-related conditions. ClinVar contains an entry for this variant (Variation ID: 2957596). An algorithm developed to predict the effect of missense changes on protein structure and function (PolyPhen-2) suggests that this variant is likely to be disruptive. In summary, the available evidence is currently insufficient to determine the role of this variant in disease. Therefore, it has been classified as a Variant of Uncertain Significance.

NM_002855.5(NECTIN1):c.698A>G (p.Asp233Gly)

Gene: NECTIN1 (nectin cell adhesion molecule 1; minus strand). Cytogenetic location: 11q23.3.
Variant type: single nucleotide variant.
Coding change: c.698A>G on transcript NM_002855.5 (MANE Select); coding-DNA position 698, A replaced by G.
Protein change: p.Asp233Gly; replaces aspartic acid 233 with glycine.
Molecular consequence: missense variant.
Genome position (GRCh38, 1-based): chr11:119,677,590, T>C on the plus strand (A>G on the coding strand, the complement: NECTIN1 is on the minus strand). VCF-style: chr11-119677590-T-C. GRCh37 (hg19) VCF-style: chr11-119548300-T-C.
Other names: c.698A>G, p.Asp233Gly (NM_203285.2, NM_203286.2); short protein forms D233G.
Identifiers: ClinVar variation 2957596 (VCV002957596.3), dbSNP rs768666517, ClinGen allele CA6322028.